The following is an entry in ClinVar:

NM_021072.4(HCN1):c.1229A>G (p.Lys410Arg)

Gene: HCN1 (hyperpolarization activated cyclic nucleotide gated potassium channel 1; minus strand). Cytogenetic location: 5p12.
Variant type: single nucleotide variant.
Coding change: c.1229A>G on transcript NM_021072.4 (MANE Select); coding-DNA position 1229, A replaced by G.
Protein change: p.Lys410Arg; replaces lysine 410 with arginine.
Molecular consequence: missense variant.
Genome position (GRCh38, 1-based): chr5:45,396,493, T>C on the plus strand (A>G on the coding strand, the complement: HCN1 is on the minus strand). VCF-style: chr5-45396493-T-C. GRCh37 (hg19) VCF-style: chr5-45396595-T-C.
Other names: short protein forms K410R.
Identifiers: ClinVar variation 1513652 (VCV001513652.9), dbSNP rs2112040564, ClinGen allele CA359705138.

ClinVar aggregate classification (germline): Uncertain significance (1 of 4 stars; one submission).

Conditions:
Early-infantile DEE. Also called: Early infantile epileptic encephalopathy; Ohtahara syndrome; Early infantile epileptic encephalopathy with suppression bursts. Identifiers: Orphanet 1934, MedGen C0393706, MONDO:0800491.

Submission:

Labcorp Genetics (formerly Invitae), Labcorp
Classification: Uncertain significance for Early-infantile DEE. Last evaluated: 2020-11-14. Review status: criteria provided, single submitter. Criteria: Invitae Variant Classification Sherloc (09022015). Collection method: clinical testing. Allele origin: germline.
Comment: This sequence change replaces lysine with arginine at codon 410 of the HCN1 protein (p.Lys410Arg). The lysine residue is highly conserved and there is a small physicochemical difference between lysine and arginine. This variant is not present in population databases (ExAC no frequency). This variant has not been reported in the literature in individuals with HCN1-related conditions. Algorithms developed to predict the effect of missense changes on protein structure and function are either unavailable or do not agree on the potential impact of this missense change (SIFT: "Deleterious"; PolyPhen-2: "Benign"; Align-GVGD: "Class C25"). Algorithms developed to predict the effect of sequence changes on RNA splicing suggest that this variant may disrupt the consensus splice site, but this prediction has not been confirmed by published transcriptional studies. In summary, the available evidence is currently insufficient to determine the role of this variant in disease. Therefore, it has been classified as a Variant of Uncertain Significance.